The following is an entry in ClinVar:

NM_000548.5(TSC2):c.4050G>A (p.Glu1350=)

Gene: TSC2 (TSC complex subunit 2; plus strand). Cytogenetic location: 16p13.3.
Variant type: single nucleotide variant.
Coding change: c.4050G>A on transcript NM_000548.5 (MANE Select); coding-DNA position 4050, G replaced by A.
Protein change: p.Glu1350=; no amino-acid change (glutamic acid 1350 retained).
Molecular consequence: synonymous variant.
Genome position (GRCh38, 1-based): chr16:2,084,272, G>A. VCF-style: chr16-2084272-G-A. GRCh37 (hg19) VCF-style: chr16-2134273-G-A.
Other names: c.3849G>A, p.Glu1283= (NM_001077183.3); c.3981G>A, p.Glu1327= (NM_001114382.3); c.3741G>A, p.Glu1247= (NM_001318827.2); c.3705G>A, p.Glu1235= (NM_001318829.2); c.3318G>A, p.Glu1106= (NM_001318831.2); c.3882G>A, p.Glu1294= (NM_001318832.2); c.3852G>A, p.Glu1284= (NM_001363528.2); c.3918G>A, p.Glu1306= (NM_001370404.1); and 2 more.
Identifiers: ClinVar variation 1088534 (VCV001088534.12), dbSNP rs2090485089, ClinGen allele CA493043066.
Genomic context (GRCh38, chr16:2,084,272, plus strand): 5'-GGATGGTCCTTTCTAGTCGTCCTCAGTCTCCAGCCAGGAGGAGAAGTCGCTCCACGCGGA[G>A]GAGCTGGTTGGCAGGGGCATCCCCATCGAGCGAGTCGTCTCCTCGGAGGGTGGCCGGCCC-3'
Protein context (NP_000539.2, residues 1340-1360): SSQEEKSLHA[Glu1350=]ELVGRGIPIE

ClinVar aggregate classification (germline): Benign/Likely benign. Review status: criteria provided, multiple submitters, no conflicts (2 of 4 stars). 4 submissions from 4 submitters: Benign (1); Likely benign (3). Last evaluated 2025-06-02.

Conditions:
Hereditary cancer-predisposing syndrome. Also called: Tumor predisposition; Neoplastic Syndromes, Hereditary; Hereditary Cancer Syndrome; Hereditary neoplastic syndrome. Identifiers: Orphanet 140162, MedGen C0027672, MeSH D009386, MONDO:0015356.
Tuberous sclerosis syndrome (TSC). Also called: Tuberous Sclerosis Complex; Tuberous sclerosis. Identifiers: Orphanet 805, MedGen C0041341, MONDO:0001734.
Tuberous sclerosis 2 (TSC2). Identifiers: Orphanet 805, MedGen C1860707, MONDO:0013199, OMIM 613254.

Submissions (4):

Myriad Genetics, Inc.
Classification: Benign for Tuberous sclerosis 2. Last evaluated: 2025-06-02. Review status: criteria provided, single submitter. Criteria: Myriad Autosomal Dominant, Autosomal Recessive and X-Linked Classification Criteria (2023). Collection method: clinical testing. Allele origin: unknown.
Comment: This variant is considered benign. This variant is a silent/synonymous amino acid change and it is not expected to impact splicing.

Labcorp Genetics (formerly Invitae), Labcorp
Classification: Likely benign for Tuberous sclerosis 2. Last evaluated: 2024-06-10. Review status: criteria provided, single submitter. Criteria: Invitae Variant Classification Sherloc (09022015). Collection method: clinical testing. Allele origin: germline.

Ambry Genetics
Classification: Likely benign for Hereditary cancer-predisposing syndrome. Last evaluated: 2023-10-13. Review status: criteria provided, single submitter. Criteria: Ambry Variant Classification Scheme 2023. Collection method: clinical testing. Allele origin: germline.

All of Us Research Program, National Institutes of Health
Classification: Likely benign for Tuberous sclerosis syndrome. Last evaluated: 2023-04-03. Review status: criteria provided, single submitter. Criteria: ACMG Guidelines, 2015. Collection method: clinical testing. Allele origin: germline. Inheritance: Autosomal dominant inheritance. Observed: 1 variant allele, 1 heterozygote.
Comment: This study involves interpretation of variants in research participants for the purpose of population health screening. Participant phenotype was not available at the time of variant classification. Additional details can be found in publication PMID: 35346344, PMCID: PMC8962531